The following is an entry in ClinVar:

NM_000297.4(PKD2):c.1133G>A (p.Ser378Asn)

Gene: PKD2 (polycystin 2, transient receptor potential cation channel; plus strand). Cytogenetic location: 4q22.1.
Variant type: single nucleotide variant.
Coding change: c.1133G>A on transcript NM_000297.4 (MANE Select); coding-DNA position 1133, G replaced by A.
Protein change: p.Ser378Asn; replaces serine 378 with asparagine.
Molecular consequence: missense variant. On other transcripts: non-coding transcript variant (1).
Genome position (GRCh38, 1-based): chr4:88,043,271, G>A. VCF-style: chr4-88043271-G-A. GRCh37 (hg19) VCF-style: chr4-88964423-G-A.
Other names: short protein forms S378N.
Identifiers: ClinVar variation 1943292 (VCV001943292.6), dbSNP rs1393766260, ClinGen allele CA357615474.
Genomic context (GRCh38, chr4:88,043,271, plus strand): 5'-TTTTGGTTTTGTTTTTAATCAGTTGGATCTACACAAGTGAAAAAGACTTGAATGGTAGTA[G>A]CCACTGGGGAATCATTGCAACTTATAGTGGAGCTGGCTATTATCTGGATTTGTCAAGAAC-3'
Protein context (NP_000288.1, residues 368-388): YTSEKDLNGS[Ser378Asn]HWGIIATYSG

ClinVar aggregate classification (germline): Uncertain significance. Review status: criteria provided, multiple submitters, no conflicts (2 of 4 stars). 2 submissions from 2 submitters: Uncertain significance (2). Last evaluated 2025-06-12.

Conditions:
Polycystic kidney disease 2 (PKD2). Also called: POLYCYSTIC KIDNEY DISEASE, ADULT, TYPE II; POLYCYSTIC KIDNEY DISEASE 2 WITH OR WITHOUT POLYCYSTIC LIVER DISEASE; Polycystic Kidney Disease 2, Autosomal Dominant. Identifiers: MedGen C2751306, MONDO:0013131, OMIM 613095.
Autosomal dominant polycystic kidney disease. Identifiers: Orphanet 730, MedGen C0085413, MONDO:0004691.

Allele frequency attached by ClinVar (database versions not stated): gnomAD exomes 0.00001; TOPMed 0.00001; gnomAD 0.00002.
gnomAD v4.1: 11 of 1,612,976 alleles (0.00068%); highest among the groups gnomAD compares: African/African-American, 0.0013%; no homozygotes.

Submissions (2):

Labcorp Genetics (formerly Invitae), Labcorp
Classification: Uncertain significance for Autosomal dominant polycystic kidney disease. Last evaluated: 2025-06-12. Review status: criteria provided, single submitter. Criteria: Invitae Variant Classification Sherloc (09022015). Collection method: clinical testing. Allele origin: germline.
Comment: This sequence change replaces serine, which is neutral and polar, with asparagine, which is neutral and polar, at codon 378 of the PKD2 protein (p.Ser378Asn). This variant is present in population databases (no rsID available, gnomAD 0.0009%). This variant has not been reported in the literature in individuals affected with PKD2-related conditions. ClinVar contains an entry for this variant (Variation ID: 1943292). Invitae Evidence Modeling of protein sequence and biophysical properties (such as structural, functional, and spatial information, amino acid conservation, physicochemical variation, residue mobility, and thermodynamic stability) indicates that this missense variant is not expected to disrupt PKD2 protein function with a negative predictive value of 80%. In summary, the available evidence is currently insufficient to determine the role of this variant in disease. Therefore, it has been classified as a Variant of Uncertain Significance.

Fulgent Genetics
Classification: Uncertain significance for Polycystic kidney disease 2. Last evaluated: 2024-05-15. Review status: criteria provided, single submitter. Criteria: ACMG Guidelines, 2015. Collection method: clinical testing. Allele origin: germline.